The following is an entry in ClinVar:

ClinVar aggregate classification (germline): Uncertain significance. Review status: criteria provided, multiple submitters, no conflicts (2 of 4 stars). 9 submissions from 9 submitters: Uncertain significance (7). 2 of the submissions do not count toward it. Last evaluated 2026-09-13.

Conditions:
Cardiovascular phenotype. Identifiers: MedGen CN230736.
Cardiomyopathy (CMYO). Also called: Cardiomyopathies. Identifiers: Orphanet 167848, MedGen C0878544, MONDO:0004994, HP:0001638. Inheritance: Various modes of inheritance.
Familial isolated arrhythmogenic right ventricular dysplasia. Identifiers: Orphanet 217656, MedGen C4274968, MONDO:0016342.
Arrhythmogenic right ventricular dysplasia 11. Also called: Arrhythmogenic Right Ventricular Dysplasia/Cardiomyopathy11; Arrhythmogenic right ventricular dysplasia 11 with mild palmoplantar keratoderma and woolly hair; ARRHYTHMOGENIC RIGHT VENTRICULAR DYSPLASIA, FAMILIAL, 11. Identifiers: MedGen C1864850, MONDO:0012506, OMIM 610476.

Allele frequency attached by ClinVar (database versions not stated): gnomAD exomes 0.00002; ExAC 0.00003; TOPMed 0.00003; gnomAD 0.00004; 1000 Genomes Project 30x 0.00016; 1000 Genomes Project 0.00020.
gnomAD v4.1: 34 of 1,613,962 alleles (0.0021%); highest among the groups gnomAD compares: African/African-American, 0.004%; no homozygotes.

Submissions (9):

GeneDx
Classification: Uncertain significance. Last evaluated: 2026-09-13. Review status: criteria provided, single submitter. Criteria: GeneDx Variant Classification Process June 2021. Collection method: clinical testing. Allele origin: germline.
Comment: Identified in a patient with HCM in published literature; this individual harbored additional cardiogenetic variants (PMID: 30847666); In silico analysis supports that this missense variant has a deleterious effect on protein structure/function; This variant is associated with the following publications: (PMID: 30847666)

Women's Health and Genetics/Laboratory Corporation of America, LabCorp
Classification: Uncertain significance. Last evaluated: 2026-06-01. Review status: criteria provided, single submitter. Criteria: LabCorp Variant Classification Summary - May 2015. Collection method: clinical testing. Allele origin: germline.
Comment: Variant summary: DSC2 c.2591C>T (p.Ser864Leu) results in a non-conservative amino acid change in the encoded protein sequence. Algorithms developed to predict the effect of missense changes on protein structure and function all suggest that this variant is likely to be disruptive. The variant allele was found at a frequency of 2.4e-05 in 251026 control chromosomes. The available data on variant occurrences in the general population are insufficient to allow any conclusion about variant significance. To our knowledge, no occurrence of c.2591C>T in individuals affected with DSC2-related conditions and no experimental evidence demonstrating its impact on protein function have been reported. ClinVar contains an entry for this variant (Variation ID: 536272). Based on the evidence outlined above, the variant was classified as uncertain significance.

Labcorp Genetics (formerly Invitae), Labcorp
Classification: Uncertain significance for Arrhythmogenic right ventricular dysplasia 11. Last evaluated: 2026-01-31. Review status: criteria provided, single submitter. Criteria: Invitae Variant Classification Sherloc (09022015). Collection method: clinical testing. Allele origin: germline.
Comment: This sequence change replaces serine, which is neutral and polar, with leucine, which is neutral and non-polar, at codon 864 of the DSC2 protein (p.Ser864Leu). The frequency data for this variant in the population databases is considered unreliable, as metrics indicate poor data quality at this position in the gnomAD database. This variant has not been reported in the literature in individuals affected with DSC2-related conditions. ClinVar contains an entry for this variant (Variation ID: 536272). An algorithm developed to predict the effect of missense changes on protein structure and function (PolyPhen-2) suggests that this variant is likely to be disruptive. In summary, the available evidence is currently insufficient to determine the role of this variant in disease. Therefore, it has been classified as a Variant of Uncertain Significance.

Ambry Genetics
Classification: Uncertain significance for Cardiovascular phenotype. Last evaluated: 2025-06-27. Review status: criteria provided, single submitter. Criteria: Ambry Variant Classification Scheme 2023. Collection method: clinical testing. Allele origin: germline.
Comment: The p.S864L variant (also known as c.2591C>T), located in coding exon 16 of the DSC2 gene, results from a C to T substitution at nucleotide position 2591. The serine at codon 864 is replaced by leucine, an amino acid with dissimilar properties. This amino acid position is highly conserved in available vertebrate species. In addition, this alteration is predicted to be deleterious by in silico analysis. Based on the available evidence, the clinical significance of this variant remains unclear.

All of Us Research Program, National Institutes of Health
Classification: Uncertain significance for Familial isolated arrhythmogenic right ventricular dysplasia. Last evaluated: 2024-07-20. Review status: criteria provided, single submitter. Criteria: ACMG Guidelines, 2015. Collection method: clinical testing. Allele origin: germline. Inheritance: Autosomal dominant inheritance. Observed: 19 variant alleles, 19 heterozygotes.
Comment: This missense variant replaces serine with leucine at codon 864 of the DSC2 protein. Computational prediction is inconclusive regarding the impact of this variant on protein structure and function (internally defined REVEL score threshold 0.5 < inconclusive < 0.7, PMID: 27666373). To our knowledge, functional studies have not been reported for this variant. This variant has not been reported in individuals affected with DSC2-related disorders in the literature. This variant has been identified in 6/251026 chromosomes in the general population by the Genome Aggregation Database (gnomAD). The available evidence is insufficient to determine the role of this variant in disease conclusively. Therefore, this variant is classified as a Variant of Uncertain Significance.

This study involves interpretation of variants in research participants for the purpose of population health screening. Participant phenotype was not available at the time of variant classification. Additional details can be found in publication PMID: 35346344, PMCID: PMC8962531

Color Diagnostics, LLC DBA Color Health
Classification: Uncertain significance for Cardiomyopathy. Last evaluated: 2024-04-05. Review status: criteria provided, single submitter. Criteria: ACMG Guidelines, 2015. Collection method: clinical testing. Allele origin: germline.
Comment: This missense variant replaces serine with leucine at codon 864 of the DSC2 protein. Computational prediction is inconclusive regarding the impact of this variant on protein structure and function (internally defined REVEL score threshold 0.5 < inconclusive < 0.7, PMID: 27666373). To our knowledge, functional studies have not been reported for this variant. This variant has not been reported in individuals affected with DSC2-related disorders in the literature. This variant has been identified in 6/251026 chromosomes in the general population by the Genome Aggregation Database (gnomAD). The available evidence is insufficient to determine the role of this variant in disease conclusively. Therefore, this variant is classified as a Variant of Uncertain Significance.

CHEO Genetics Diagnostic Laboratory, Children's Hospital of Eastern Ontario
Classification: Uncertain significance for Cardiomyopathy. Last evaluated: 2023-03-22. Review status: criteria provided, single submitter. Criteria: ACMG Guidelines, 2015. Collection method: clinical testing. Allele origin: germline.

Clinical Genetics, Academic Medical Center
Classification: Uncertain significance. Review status: no assertion criteria provided. Collection method: clinical testing. Allele origin: germline. Affected: yes. Study: VKGL Data-share Consensus. Not counted in ClinVar's aggregate classification.

Joint Genome Diagnostic Labs from Nijmegen and Maastricht, Radboudumc and MUMC+
Classification: Uncertain significance. Review status: no assertion criteria provided. Collection method: clinical testing. Allele origin: germline. Affected: yes. Study: VKGL Data-share Consensus. Not counted in ClinVar's aggregate classification.

NM_024422.6(DSC2):c.2591C>T (p.Ser864Leu)

Gene: DSC2 (desmocollin 2; minus strand). Cytogenetic location: 18q12.1.
Variant type: single nucleotide variant.
Coding change: c.2591C>T on transcript NM_024422.6 (MANE Select); coding-DNA position 2591, C replaced by T.
Protein change: p.Ser864Leu; replaces serine 864 with leucine.
Molecular consequence: missense variant. On other transcripts: 3 prime UTR variant (1).
Genome position (GRCh38, 1-based): chr18:31,068,130, G>A on the plus strand (C>T on the coding strand, the complement: DSC2 is on the minus strand). VCF-style: chr18-31068130-G-A. GRCh37 (hg19) VCF-style: chr18-28648096-G-A.
Other names: c.*93C>T (NM_004949.5); short protein forms S864L.
Identifiers: ClinVar variation 536272 (VCV000536272.34), dbSNP rs202031070, ClinGen allele CA040605.